The following is an entry in ClinVar:

ClinVar aggregate classification (germline): Uncertain significance (1 of 4 stars; one submission).

Conditions:
Multiple endocrine neoplasia, type 2 (MEN2). Identifiers: Orphanet 653, MedGen C4048306, MONDO:0019003. Disease mechanism: gain of function.

Submission:

All of Us Research Program, National Institutes of Health
Classification: Uncertain significance for Multiple endocrine neoplasia, type 2. Last evaluated: 2024-08-06. Review status: criteria provided, single submitter. Criteria: ACMG Guidelines, 2015. Collection method: clinical testing. Allele origin: germline. Inheritance: Autosomal dominant inheritance. Observed: 1 variant allele, 1 heterozygote.
Comment: This study involves interpretation of variants in research participants for the purpose of population health screening. Participant phenotype was not available at the time of variant classification. Additional details can be found in publication PMID: 35346344, PMCID: PMC8962531

NM_020975.6(RET):c.408G>C (p.Glu136Asp)

Gene: RET (ret proto-oncogene; plus strand). Cytogenetic location: 10q11.21.
Variant type: single nucleotide variant.
Coding change: c.408G>C on transcript NM_020975.6 (MANE Select); coding-DNA position 408, G replaced by C.
Protein change: p.Glu136Asp; replaces glutamic acid 136 with aspartic acid.
Molecular consequence: missense variant. On other transcripts: intron variant (22).
Genome position (GRCh38, 1-based): chr10:43,102,412, G>C. VCF-style: chr10-43102412-G-C. GRCh37 (hg19) VCF-style: chr10-43597860-G-C.
Other names: c.408G>C, p.Glu136Asp (NM_001406743.1, NM_001406744.1, NM_001406759.1 and 14 more transcripts); c.338-59G>C (NM_001406764.1, NM_001406762.1, NM_001406761.1 and 4 more transcripts); c.337+1690G>C (NM_001406770.1, NM_001406766.1, NM_001406767.1 and 8 more transcripts); c.74-6619G>C (NM_001406784.1); c.74-9687G>C (NM_001406794.1, NM_001406792.1, NM_001406793.1); short protein forms E136D.
Identifiers: ClinVar variation 3387585 (VCV003387585.1).